The following is an entry in ClinVar:

NM_001375524.1(TRRAP):c.11532C>T (p.Gly3844=)

Gene: TRRAP (transformation/transcription domain associated protein; plus strand). Cytogenetic location: 7q22.1.
Variant type: single nucleotide variant.
Coding change: c.11532C>T on transcript NM_001375524.1 (MANE Select); coding-DNA position 11532, C replaced by T.
Protein change: p.Gly3844=; no amino-acid change (glycine 3844 retained).
Molecular consequence: synonymous variant.
Genome position (GRCh38, 1-based): chr7:99,012,265, C>T. VCF-style: chr7-99012265-C-T. GRCh37 (hg19) VCF-style: chr7-98609888-C-T.
Other names: c.11403C>T (NM_003496.3); c.11490C>T, p.Gly3830= (NM_001244580.2); c.11403C>T, p.Gly3801= (NM_003496.4).
Identifiers: ClinVar variation 2037458 (VCV002037458.6), dbSNP rs148264072, ClinGen allele CA4362193.

ClinVar aggregate classification (germline): Likely benign. Review status: criteria provided, multiple submitters, no conflicts (2 of 4 stars). 3 submissions from 3 submitters: Likely benign (2). 1 of the submissions does not count toward it. Last evaluated 2026-07-01.

Conditions:
TRRAP-related disorder. Also called: TRRAP-related condition.

Allele frequency attached by ClinVar (database versions not stated): gnomAD 0.00007; gnomAD exomes 0.00007; TOPMed 0.00008; ExAC 0.00013; ESP Exome Variant Server 0.00015; 1000 Genomes Project 30x 0.00031; 1000 Genomes Project 0.00040.

Submissions (3):

CeGaT Center for Human Genetics Tuebingen
Classification: Likely benign. Last evaluated: 2026-07-01. Review status: criteria provided, single submitter. Criteria: CeGaT Center For Human Genetics Tuebingen Variant Classification Criteria Version 2. Collection method: clinical testing. Allele origin: germline. Affected: yes. Observed: 1 variant allele.
Comment: TRRAP: BP4, BP7

Labcorp Genetics (formerly Invitae), Labcorp
Classification: Likely benign. Last evaluated: 2025-08-23. Review status: criteria provided, single submitter. Criteria: Invitae Variant Classification Sherloc (09022015). Collection method: clinical testing. Allele origin: germline.

PreventionGenetics, part of Exact Sciences
Classification: Likely benign for TRRAP-related condition. Last evaluated: 2024-04-02. Review status: no assertion criteria provided. Collection method: clinical testing. Allele origin: germline. Not counted in ClinVar's aggregate classification.
Comment: This variant is classified as likely benign based on ACMG/AMP sequence variant interpretation guidelines (Richards et al. 2015 PMID: 25741868, with internal and published modifications).